The following is an entry in ClinVar:

NM_182961.4(SYNE1):c.3539C>A (p.Thr1180Asn)

Gene: SYNE1 (spectrin repeat containing nuclear envelope protein 1; minus strand). Cytogenetic location: 6q25.2.
Variant type: single nucleotide variant.
Coding change: c.3539C>A on transcript NM_182961.4 (MANE Select); coding-DNA position 3539, C replaced by A.
Protein change: p.Thr1180Asn; replaces threonine 1180 with asparagine.
Molecular consequence: missense variant.
Genome position (GRCh38, 1-based): chr6:152,447,588, G>T on the plus strand (C>A on the coding strand, the complement: SYNE1 is on the minus strand). VCF-style: chr6-152447588-G-T. GRCh37 (hg19) VCF-style: chr6-152768723-G-T.
Other names: c.3560C>A, p.Thr1187Asn (NM_033071.5); short protein forms T1180N, T1187N.
Identifiers: ClinVar variation 1707886 (VCV001707886.2), dbSNP rs368629865, ClinGen allele CA4058804.

ClinVar aggregate classification (germline): Uncertain significance (1 of 4 stars; one submission).

Allele frequency attached by ClinVar (database versions not stated): ExAC 0.00001; gnomAD 0.00001; gnomAD exomes 0.00001; TOPMed 0.00001; ESP Exome Variant Server 0.00008.
gnomAD v4.1: 12 of 1,614,062 alleles (0.00074%); highest among the groups gnomAD compares: Non-Finnish European, 0.00085%; no homozygotes.

Submission:

GeneDx
Classification: Uncertain significance. Last evaluated: 2022-03-28. Review status: criteria provided, single submitter. Criteria: GeneDx Variant Classification Process June 2021. Collection method: clinical testing. Allele origin: germline. Affected: yes.
Comment: Not observed at significant frequency in large population cohorts (gnomAD); In silico analysis supports that this missense variant does not alter protein structure/function; Has not been previously published as pathogenic or benign to our knowledge